The following is an entry in ClinVar:

NM_006231.4(POLE):c.1393G>A (p.Ala465Thr)

Gene: POLE (DNA polymerase epsilon, catalytic subunit; minus strand). Cytogenetic location: 12q24.33.
Variant type: single nucleotide variant.
Coding change: c.1393G>A on transcript NM_006231.4 (MANE Select); coding-DNA position 1393, G replaced by A.
Protein change: p.Ala465Thr; replaces alanine 465 with threonine.
Molecular consequence: missense variant.
Genome position (GRCh38, 1-based): chr12:132,673,244, C>T on the plus strand (G>A on the coding strand, the complement: POLE is on the minus strand). VCF-style: chr12-132673244-C-T. GRCh37 (hg19) VCF-style: chr12-133249830-C-T.
Other names: short protein forms A465T.
Identifiers: ClinVar variation 484539 (VCV000484539.13), dbSNP rs771526654, ClinGen allele CA387358635.

ClinVar aggregate classification (germline): Uncertain significance. Review status: criteria provided, multiple submitters, no conflicts (2 of 4 stars). 2 submissions from 2 submitters: Uncertain significance (2). Last evaluated 2026-01-09.

Conditions:
Hereditary cancer-predisposing syndrome. Also called: Tumor predisposition; Hereditary Cancer Syndrome; Neoplastic Syndromes, Hereditary; Hereditary neoplastic syndrome. Identifiers: Orphanet 140162, MedGen C0027672, MeSH D009386, MONDO:0015356.

Allele frequency attached by ClinVar (database versions not stated): TOPMed below 0.00001; gnomAD 0.00001.
gnomAD v4.1: 6 of 1,613,020 alleles (0.00037%); highest among the groups gnomAD compares: Non-Finnish European, 0.00042%; no homozygotes.

Submissions (2):

Ambry Genetics
Classification: Uncertain significance for Hereditary cancer-predisposing syndrome. Last evaluated: 2026-01-09. Review status: criteria provided, single submitter. Criteria: Ambry Variant Classification Scheme 2023. Collection method: clinical testing. Allele origin: germline.
Comment: The p.A465T variant (also known as c.1393G>A), located in coding exon 14 of the POLE gene, results from a G to A substitution at nucleotide position 1393. The alanine at codon 465 is replaced by threonine, an amino acid with similar properties. This amino acid position is highly conserved in available vertebrate species. In addition, the in silico prediction for this alteration is inconclusive. Based on the available evidence, the clinical significance of this variant remains unclear.

Labcorp Genetics (formerly Invitae), Labcorp
Classification: Uncertain significance. Last evaluated: 2025-09-28. Review status: criteria provided, single submitter. Criteria: Invitae Variant Classification Sherloc (09022015). Collection method: clinical testing. Allele origin: germline.
Comment: This sequence change replaces alanine, which is neutral and non-polar, with threonine, which is neutral and polar, at codon 465 of the POLE protein (p.Ala465Thr). This variant is present in population databases (no rsID available, gnomAD no frequency). This variant has not been reported in the literature in individuals affected with POLE-related conditions. ClinVar contains an entry for this variant (Variation ID: 484539). Invitae Evidence Modeling of protein sequence and biophysical properties (such as structural, functional, and spatial information, amino acid conservation, physicochemical variation, residue mobility, and thermodynamic stability) indicates that this missense variant is expected to disrupt POLE protein function with a positive predictive value of 80%. In summary, the available evidence is currently insufficient to determine the role of this variant in disease. Therefore, it has been classified as a Variant of Uncertain Significance.